The following is an entry in ClinVar:

ClinVar aggregate classification (germline): Benign/Likely benign. Review status: criteria provided, multiple submitters, no conflicts (2 of 4 stars). 4 submissions from 4 submitters: Benign (1); Likely benign (3). Last evaluated 2025-08-01.

Conditions:
Inborn genetic diseases. Identifiers: MedGen C0950123, MeSH D030342.
KBG syndrome (KBGS). Also called: ANKRD11-Related KBG Syndrome. Identifiers: Orphanet 2332, MedGen C0220687, MONDO:0007846, OMIM 148050.

Allele frequency attached by ClinVar (database versions not stated): ExAC 0.00002; gnomAD exomes 0.00004 and 0.00014; TOPMed 0.00007; ESP Exome Variant Server 0.00008; gnomAD 0.00009.
gnomAD v4.1: 217 of 1,611,686 alleles (0.013%); highest among the groups gnomAD compares: Non-Finnish European, 0.018%; 1 homozygote.

Submissions (4):

CeGaT Center for Human Genetics Tuebingen
Classification: Likely benign. Last evaluated: 2025-08-01. Review status: criteria provided, single submitter. Criteria: CeGaT Center For Human Genetics Tuebingen Variant Classification Criteria Version 2. Collection method: clinical testing. Allele origin: germline. Affected: yes. Observed: 1 variant allele.
Comment: ANKRD11: BP4, BS2

Labcorp Genetics (formerly Invitae), Labcorp
Classification: Likely benign for KBG syndrome. Last evaluated: 2024-11-07. Review status: criteria provided, single submitter. Criteria: Invitae Variant Classification Sherloc (09022015). Collection method: clinical testing. Allele origin: germline.

Ambry Genetics
Classification: Likely benign for Inborn genetic diseases. Last evaluated: 2019-12-12. Review status: criteria provided, single submitter. Criteria: Ambry Variant Classification Scheme 2023. Collection method: clinical testing. Allele origin: germline.

GeneDx
Classification: Benign. Last evaluated: 2015-03-03. Review status: criteria provided, single submitter. Criteria: GeneDx Variant Classification Process June 2021. Collection method: clinical testing. Allele origin: germline. Affected: yes.

NM_013275.6(ANKRD11):c.7695C>T (p.Asn2565=)

Gene: ANKRD11 (ankyrin repeat domain 11; minus strand). Cytogenetic location: 16q24.3.
Variant type: single nucleotide variant.
Coding change: c.7695C>T on transcript NM_013275.6 (MANE Select); coding-DNA position 7695, C replaced by T.
Protein change: p.Asn2565=; no amino-acid change (asparagine 2565 retained).
Molecular consequence: synonymous variant.
Genome position (GRCh38, 1-based): chr16:89,274,832, G>A on the plus strand (C>T on the coding strand, the complement: ANKRD11 is on the minus strand). VCF-style: chr16-89274832-G-A. GRCh37 (hg19) VCF-style: chr16-89341240-G-A.
Other names: c.7695C>T, p.Asn2565= (NM_001256182.2, NM_001256183.2).
Identifiers: ClinVar variation 1294202 (VCV001294202.14), dbSNP rs142845301, ClinGen allele CA8241058.